The following is an entry in ClinVar:

NM_001868.4(CPA1):c.1226C>A (p.Thr409Asn)

Gene: CPA1 (carboxypeptidase A1; plus strand). Cytogenetic location: 7q32.2.
Variant type: single nucleotide variant.
Coding change: c.1226C>A on transcript NM_001868.4 (MANE Select); coding-DNA position 1226, C replaced by A.
Protein change: p.Thr409Asn; replaces threonine 409 with asparagine.
Molecular consequence: missense variant.
Genome position (GRCh38, 1-based): chr7:130,387,977, C>A. VCF-style: chr7-130387977-C-A. GRCh37 (hg19) VCF-style: chr7-130027818-C-A.
Other names: short protein forms T409N.
Identifiers: ClinVar variation 3221807 (VCV003221807.1), dbSNP rs1381361116, ClinGen allele CA369284579.

ClinVar aggregate classification (germline): Uncertain significance (1 of 4 stars; one submission).

Conditions:
Hereditary pancreatitis (PCTT). Also called: Hereditary chronic pancreatitis; PRSS1-Related Hereditary Pancreatitis. Identifiers: Orphanet 676, MedGen C0238339, MONDO:0008185, OMIM 167800.

Submission:

Ambry Genetics
Classification: Uncertain significance for Hereditary pancreatitis. Last evaluated: 2024-02-20. Review status: criteria provided, single submitter. Criteria: Ambry Variant Classification Scheme 2023. Collection method: clinical testing. Allele origin: germline.
Comment: The p.T409N variant (also known as c.1226C>A), located in coding exon 10 of the CPA1 gene, results from a C to A substitution at nucleotide position 1226. The threonine at codon 409 is replaced by asparagine, an amino acid with similar properties. This amino acid position is conserved. In addition, this alteration is predicted to be tolerated by in silico analysis. Based on the available evidence, the clinical significance of this alteration remains unclear.